The following is an entry in ClinVar:

ClinVar aggregate classification (germline): Conflicting classifications of pathogenicity. Review status: criteria provided, conflicting classifications (1 of 4 stars). 9 submissions from 9 submitters: Uncertain significance (7); Likely benign (1). 1 of the submissions does not count toward it. Last evaluated 2026-07-13.

Conditions:
Hypercholesterolemia, familial, 4 (FHCL4). Also called: HYPERCHOLESTEROLEMIA, AUTOSOMAL RECESSIVE, 1; HYPERCHOLESTEROLEMIA, AUTOSOMAL RECESSIVE, 2. Identifiers: Orphanet 391665, MedGen C1863512, MONDO:0011374, OMIM 603813.
Cardiovascular phenotype. Identifiers: MedGen CN230736.
Familial hypercholesterolemia. Also called: Familial hypercholesterolaemia; Familial hypercholesterolemias. Identifiers: MedGen C0020445, MONDO:0005439.

Allele frequency attached by ClinVar (database versions not stated): ExAC 0.00015; 1000 Genomes Project 0.00020; gnomAD exomes 0.00020 and 0.00054; gnomAD 0.00024 and 0.00027; TOPMed 0.00029; 1000 Genomes Project 30x 0.00031; ESP Exome Variant Server 0.00031.

Submissions (9):

Cambridge Genomics Laboratory, East Genomic Laboratory Hub, NHS Genomic Medicine Service
Classification: Uncertain significance for Familial hypercholesterolaemia. Last evaluated: 2026-07-13. Review status: criteria provided, single submitter. Criteria: ACGS Best Practice Guidelines for Variant Classification in Rare Disease 2020. Collection method: clinical testing. Allele origin: germline. Affected: yes.
Comment: PP4,BP4

Women's Health and Genetics/Laboratory Corporation of America, LabCorp
Classification: Uncertain significance. Last evaluated: 2025-05-16. Review status: criteria provided, single submitter. Criteria: LabCorp Variant Classification Summary - May 2015. Collection method: clinical testing. Allele origin: germline.
Comment: Variant summary: LDLRAP1 c.907G>A (p.Asp303Asn) results in a conservative amino acid change in the encoded protein sequence. Algorithms developed to predict the effect of missense changes on protein structure and function are either unavailable or do not agree on the potential impact of this missense change. The variant allele was found at a frequency of 0.0002 in 250120 control chromosomes. This frequency is not significantly higher than estimated for a pathogenic variant in LDLRAP1 causing Familial Hypercholesterolemia, allowing no conclusion about variant significance.c.907G>A has been reported in the literature in a sample of patients affected by metabolic disorders including Hypertriglyceridemia or Familial Hypercholesterolemia, but without specific patient information or evidence of causality (Dron_2020). These report(s) do not provide unequivocal conclusions about association of the variant with Familial Hypercholesterolemia. To our knowledge, no experimental evidence demonstrating an impact on protein function has been reported. ClinVar contains an entry for this variant (Variation ID: 296988). Based on the evidence outlined above, the variant was classified as uncertain significance.

GeneDx
Classification: Uncertain significance. Last evaluated: 2024-12-04. Review status: criteria provided, single submitter. Criteria: GeneDx Variant Classification Process June 2021. Collection method: clinical testing. Allele origin: germline. Affected: yes.
Comment: Identified via multi-gene panel in a cohort of patients with dyslipidemia and reported as uncertain significance (PMID: 32041611); In silico analysis supports that this missense variant does not alter protein structure/function; This variant is associated with the following publications: (PMID: 27247956, 32041611)

Labcorp Genetics (formerly Invitae), Labcorp
Classification: Uncertain significance for Hypercholesterolemia, familial, 4. Last evaluated: 2022-08-12. Review status: criteria provided, single submitter. Criteria: Invitae Variant Classification Sherloc (09022015). Collection method: clinical testing. Allele origin: germline.
Comment: This sequence change replaces aspartic acid, which is acidic and polar, with asparagine, which is neutral and polar, at codon 303 of the LDLRAP1 protein (p.Asp303Asn). This variant is present in population databases (rs199605881, gnomAD 0.04%). This variant has not been reported in the literature in individuals affected with LDLRAP1-related conditions. ClinVar contains an entry for this variant (Variation ID: 296988). Algorithms developed to predict the effect of missense changes on protein structure and function are either unavailable or do not agree on the potential impact of this missense change (SIFT: "Tolerated"; PolyPhen-2: "Possibly Damaging"; Align-GVGD: "Class C0"). In summary, the available evidence is currently insufficient to determine the role of this variant in disease. Therefore, it has been classified as a Variant of Uncertain Significance.

Ambry Genetics
Classification: Likely benign for Cardiovascular phenotype. Last evaluated: 2022-07-26. Review status: criteria provided, single submitter. Criteria: Ambry Variant Classification Scheme 2023. Collection method: clinical testing. Allele origin: germline.

Department of Pathology and Laboratory Medicine, Sinai Health System
Classification: Uncertain significance for Hypercholesterolemia, familial, 4. Last evaluated: 2022-04-29. Review status: criteria provided, single submitter. Criteria: ACMG Guidelines, 2015. Collection method: research. Allele origin: germline.

Fulgent Genetics
Classification: Uncertain significance for Hypercholesterolemia, familial, 4. Last evaluated: 2021-08-19. Review status: criteria provided, single submitter. Criteria: ACMG Guidelines, 2015. Collection method: clinical testing. Allele origin: unknown.

Illumina Laboratory Services, Illumina
Classification: Uncertain significance for Hypercholesterolemia, familial, 4. Last evaluated: 2018-01-12. Review status: criteria provided, single submitter. Criteria: ICSL Variant Classification Criteria 13 December 2019. Collection method: clinical testing. Allele origin: germline.

Natera, Inc.
Classification: Uncertain significance for Familial hypercholesterolemia. Last evaluated: 2020-01-15. Review status: no assertion criteria provided. Collection method: clinical testing. Allele origin: germline. Not counted in ClinVar's aggregate classification.

Literature cited by the submitters: PubMed 27247956 (cited by Women's Health and Genetics/Laboratory Corporation of America, LabCorp and Ambry Genetics); PubMed 32041611 (cited by Women's Health and Genetics/Laboratory Corporation of America, LabCorp and Ambry Genetics).

NM_015627.3(LDLRAP1):c.907G>A (p.Asp303Asn)

Gene: LDLRAP1 (low density lipoprotein receptor adaptor protein 1; plus strand). Cytogenetic location: 1p36.11.
Variant type: single nucleotide variant.
Coding change: c.907G>A on transcript NM_015627.3 (MANE Select); coding-DNA position 907, G replaced by A.
Protein change: p.Asp303Asn; replaces aspartic acid 303 with asparagine.
Molecular consequence: missense variant.
Genome position (GRCh38, 1-based): chr1:25,566,972, G>A. VCF-style: chr1-25566972-G-A. GRCh37 (hg19) VCF-style: chr1-25893463-G-A.
Other names: short protein forms D303N.
Identifiers: ClinVar variation 296988 (VCV000296988.25), dbSNP rs199605881, ClinGen allele CA695785.